The following is an entry in ClinVar:

NM_004304.5(ALK):c.3455_3457del (p.Leu1152del)

Gene: ALK (ALK receptor tyrosine kinase; minus strand). Cytogenetic location: 2p23.2.
Variant type: Deletion.
Coding change: c.3455_3457del on transcript NM_004304.5 (MANE Select); coding-DNA positions 3455 to 3457, 3 bases deleted (TGC; older notation c.3455_3457delTGC).
Protein change: p.Leu1152del; deletes leucine 1152.
Genome position (GRCh38, 1-based): chr2:29,222,402-29,222,404, GCA deleted on the plus strand (TGC on the coding strand, the reverse complement: ALK is on the minus strand); deleting any 3 consecutive bases within chr2:29,222,402-29,222,406 gives the same sequence; the c. name uses the placement nearest the transcript's 3' end. VCF-style (leftmost placement, unchanged base first): chr2-29222401-GGCA-G. GRCh37 (hg19) VCF-style: chr2-29445267-GGCA-G.
Other names: c.251_253del, p.Leu84del (NM_001353765.2); short protein forms L1152del, L84del.
Identifiers: ClinVar variation 4530186 (VCV004530186.1).

ClinVar aggregate classification (somatic clinical impact): Tier II - Potential (1 of 4 stars; one submission).

Conditions:
Nodular ganglioneuroblastoma. Identifiers: MedGen C1517445, MONDO:0003325.

Submission:

Institute for Genomic Medicine (IGM) Clinical Laboratory, Nationwide Children's Hospital
Classification: Tier II - Potential for Nodular ganglioneuroblastoma. Assertion type: diagnostic. Clinical significance: supports diagnosis. Last evaluated: 2024-12-23. Review status: criteria provided, single submitter. Criteria: AMP/ASCO/CAP Guidelines, 2017. Collection method: clinical testing. Allele origin: somatic. Affected: yes.
Comment: Variant has Tier II (potential) clinical significance as a diagnostic inclusion criterion in nodular ganglioneuroblastoma, based on the following evidence: 1) Appears in one or more well-established professional guidelines (e.g., World Health Organization [WHO]; National Comprehensive Cancer Network [NCCN]) as providing diagnostic, prognostic, or therapeutic information. 2) Diagnostic significance based on multiple small studies (Evidence Level C; PMIDs: 21632861, 23334666, 18923523, 18923524, 25517749, 34250410, 33056981, 30523111).

Literature cited by the submitters: PubMed 21632861; PubMed 23334666; PubMed 18923523; PubMed 18923524; PubMed 25517749; PubMed 34250410; PubMed 33056981; PubMed 30523111.